The following is an entry in ClinVar:

NM_006915.3(RP2):c.1046G>C (p.Gly349Ala)

Gene: RP2 (RP2 activator of ARL3 GTPase; plus strand). Cytogenetic location: Xp11.3.
Variant type: single nucleotide variant.
Coding change: c.1046G>C on transcript NM_006915.3 (MANE Select); coding-DNA position 1046, G replaced by C.
Protein change: p.Gly349Ala; replaces glycine 349 with alanine.
Molecular consequence: missense variant.
Genome position (GRCh38, 1-based): chrX:46,879,762, G>C. VCF-style: chrX-46879762-G-C. GRCh37 (hg19) VCF-style: chrX-46739197-G-C.
Other names: short protein forms G349A.
Identifiers: ClinVar variation 1036099 (VCV001036099.7), dbSNP rs1925440419, ClinGen allele CA413037229.

ClinVar aggregate classification (germline): Uncertain significance. Review status: criteria provided, multiple submitters, no conflicts (2 of 4 stars). 2 submissions from 2 submitters: Uncertain significance (2). Last evaluated 2022-10-06.

Allele frequency attached by ClinVar (database versions not stated): gnomAD exomes below 0.00001; gnomAD 0.00001 and 0.00002; TOPMed 0.00001.

Submissions (2):

Blueprint Genetics
Classification: Uncertain significance. Last evaluated: 2022-10-06. Review status: criteria provided, single submitter. Criteria: ACMG Guidelines, 2015. Collection method: clinical testing. Allele origin: germline.

Labcorp Genetics (formerly Invitae), Labcorp
Classification: Uncertain significance. Last evaluated: 2022-07-18. Review status: criteria provided, single submitter. Criteria: Invitae Variant Classification Sherloc (09022015). Collection method: clinical testing. Allele origin: germline.
Comment: This sequence change replaces glycine, which is neutral and non-polar, with alanine, which is neutral and non-polar, at codon 349 of the RP2 protein (p.Gly349Ala). This variant is not present in population databases (gnomAD no frequency). This variant has not been reported in the literature in individuals affected with RP2-related conditions. ClinVar contains an entry for this variant (Variation ID: 1036099). Algorithms developed to predict the effect of missense changes on protein structure and function output the following: SIFT: "Tolerated"; PolyPhen-2: "Benign"; Align-GVGD: "Class C0". The alanine amino acid residue is found in multiple mammalian species, which suggests that this missense change does not adversely affect protein function. In summary, the available evidence is currently insufficient to determine the role of this variant in disease. Therefore, it has been classified as a Variant of Uncertain Significance.